The following is an entry in ClinVar:

NM_005045.4(RELN):c.4457A>G (p.Asn1486Ser)

Gene: RELN (reelin; minus strand). Cytogenetic location: 7q22.1.
Variant type: single nucleotide variant.
Coding change: c.4457A>G on transcript NM_005045.4 (MANE Select); coding-DNA position 4457, A replaced by G.
Protein change: p.Asn1486Ser; replaces asparagine 1486 with serine.
Molecular consequence: missense variant.
Genome position (GRCh38, 1-based): chr7:103,574,146, T>C on the plus strand (A>G on the coding strand, the complement: RELN is on the minus strand). VCF-style: chr7-103574146-T-C. GRCh37 (hg19) VCF-style: chr7-103214593-T-C.
Other names: c.4457A>G, p.Asn1486Ser (NM_173054.3); short protein forms N1486S.
Identifiers: ClinVar variation 196629 (VCV000196629.17), dbSNP rs202161592, ClinGen allele CA243647.
Genomic context (GRCh38, chr7:103,574,146, plus strand): 5'-TGTTACCTGATATTCCTGGTGTCCAGAGGGACCGTCCGGGCTTCCCTTTTCCCAGGGCCA[T>C]TGAAGTAGAGAGATTTGCCATCGTTAAGTGTTCCACAGCCAGTTCCAACCTGGGCACCTG-3'
Protein context (NP_005036.2, residues 1476-1496): TLNDGKSLYF[Asn1486Ser]GPGKREARTV

ClinVar aggregate classification (germline): Conflicting classifications of pathogenicity. Review status: criteria provided, conflicting classifications (1 of 4 stars). 5 submissions from 5 submitters: Uncertain significance (4); Likely benign (1). Last evaluated 2026-02-18.

Conditions:
Norman-Roberts syndrome (LIS2). Also called: Lissencephaly 2 (Norman-Roberts type). Identifiers: Orphanet 89844, MedGen C0796089, MONDO:0009760, OMIM 257320.
Familial temporal lobe epilepsy 7. Identifiers: Orphanet 101046, MedGen C4225327, MONDO:0014639, OMIM 616436.
Inborn genetic diseases. Identifiers: MedGen C0950123, MeSH D030342.

Allele frequency attached by ClinVar (database versions not stated): gnomAD 0.00001; TOPMed 0.00002; gnomAD exomes 0.00003 and 0.00004; ExAC 0.00005; ESP Exome Variant Server 0.00015.
gnomAD v4.1: 42 of 1,614,072 alleles (0.0026%); highest among the groups gnomAD compares: Non-Finnish European, 0.0033%; no homozygotes.

Submissions (5):

Women's Health and Genetics/Laboratory Corporation of America, LabCorp
Classification: Uncertain significance. Last evaluated: 2026-02-18. Review status: criteria provided, single submitter. Criteria: LabCorp Variant Classification Summary - May 2015. Collection method: clinical testing. Allele origin: germline.
Comment: Variant summary: RELN c.4457A>G (p.Asn1486Ser) results in a conservative amino acid change in the encoded protein sequence. Algorithms developed to predict the effect of missense changes on protein structure and function are either unavailable or do not agree on the potential impact of this missense change. The variant allele was found at a frequency of 4e-05 in 251436 control chromosomes. This frequency is not significantly higher than estimated for disease-causing variants in RELN, allowing no conclusion about variant significance. To our knowledge, no occurrence of c.4457A>G in individuals affected with RELN-related conditions and no experimental evidence demonstrating its impact on protein function have been reported. ClinVar contains an entry for this variant (Variation ID: 196629). Based on the evidence outlined above, the variant was classified as uncertain significance.

Labcorp Genetics (formerly Invitae), Labcorp
Classification: Uncertain significance for Familial temporal lobe epilepsy 7; Norman-Roberts syndrome. Last evaluated: 2025-03-11. Review status: criteria provided, single submitter. Criteria: Invitae Variant Classification Sherloc (09022015). Collection method: clinical testing. Allele origin: germline.
Comment: This sequence change replaces asparagine, which is neutral and polar, with serine, which is neutral and polar, at codon 1486 of the RELN protein (p.Asn1486Ser). This variant is present in population databases (rs202161592, gnomAD 0.008%). This variant has not been reported in the literature in individuals affected with RELN-related conditions. ClinVar contains an entry for this variant (Variation ID: 196629). Invitae Evidence Modeling of protein sequence and biophysical properties (such as structural, functional, and spatial information, amino acid conservation, physicochemical variation, residue mobility, and thermodynamic stability) indicates that this missense variant is not expected to disrupt RELN protein function with a negative predictive value of 80%. Algorithms developed to predict the effect of sequence changes on RNA splicing suggest that this variant may create or strengthen a splice site. In summary, the available evidence is currently insufficient to determine the role of this variant in disease. Therefore, it has been classified as a Variant of Uncertain Significance.

Ambry Genetics
Classification: Likely benign for Inborn genetic diseases. Last evaluated: 2024-03-31. Review status: criteria provided, single submitter. Criteria: Ambry Variant Classification Scheme 2023. Collection method: clinical testing. Allele origin: germline.

GeneDx
Classification: Uncertain significance. Last evaluated: 2022-06-10. Review status: criteria provided, single submitter. Criteria: GeneDx Variant Classification Process June 2021. Collection method: clinical testing. Allele origin: germline. Affected: yes.
Comment: Not observed at significant frequency in large population cohorts (gnomAD); In silico analysis supports that this missense variant does not alter protein structure/function; In silico analysis, which includes splice predictors and evolutionary conservation, suggests this variant may impact gene splicing. In the absence of RNA/functional studies, the actual effect of this sequence change is unknown.; Has not been previously published as pathogenic or benign to our knowledge

Eurofins Ntd Llc (ga)
Classification: Uncertain significance. Last evaluated: 2015-01-02. Review status: criteria provided, single submitter. Criteria: EGL Classification Definitions 2015. Collection method: clinical testing. Allele origin: germline. Observed: 1 variant allele, 1 heterozygote.